The following is an entry in ClinVar:

NM_001286577.2(C2CD3):c.731C>T (p.Ala244Val)

Gene: C2CD3 (C2 domain containing 3 centriole elongation regulator; minus strand). Cytogenetic location: 11q13.4.
Variant type: single nucleotide variant.
Coding change: c.731C>T on transcript NM_001286577.2 (MANE Select); coding-DNA position 731, C replaced by T.
Protein change: p.Ala244Val; replaces alanine 244 with valine.
Molecular consequence: missense variant.
Genome position (GRCh38, 1-based): chr11:74,138,944, G>A on the plus strand (C>T on the coding strand, the complement: C2CD3 is on the minus strand). VCF-style: chr11-74138944-G-A. GRCh37 (hg19) VCF-style: chr11-73849989-G-A.
Other names: c.731C>T, p.Ala244Val (NM_015531.6); short protein forms A244V.
Identifiers: ClinVar variation 1924473 (VCV001924473.3), dbSNP rs566199606, ClinGen allele CA6183130.

ClinVar aggregate classification (germline): Uncertain significance (1 of 4 stars; one submission).

Allele frequency attached by ClinVar (database versions not stated): gnomAD exomes below 0.00001; ExAC 0.00001; gnomAD 0.00002; 1000 Genomes Project 30x 0.00047; 1000 Genomes Project 0.00060.
gnomAD v4.1: 5 of 1,611,048 alleles (0.00031%); highest among the groups gnomAD compares: Admixed American, 0.0067%; no homozygotes.

Submission:

Labcorp Genetics (formerly Invitae), Labcorp
Classification: Uncertain significance. Last evaluated: 2022-04-03. Review status: criteria provided, single submitter. Criteria: Invitae Variant Classification Sherloc (09022015). Collection method: clinical testing. Allele origin: germline.
Comment: This variant is present in population databases (rs566199606, gnomAD 0.003%). In summary, the available evidence is currently insufficient to determine the role of this variant in disease. Therefore, it has been classified as a Variant of Uncertain Significance. Algorithms developed to predict the effect of missense changes on protein structure and function output the following: SIFT: "Tolerated"; PolyPhen-2: "Benign"; Align-GVGD: "Class C0". The valine amino acid residue is found in multiple mammalian species, which suggests that this missense change does not adversely affect protein function. This variant has not been reported in the literature in individuals affected with C2CD3-related conditions. This sequence change replaces alanine, which is neutral and non-polar, with valine, which is neutral and non-polar, at codon 244 of the C2CD3 protein (p.Ala244Val).